The following is an entry in ClinVar:

ClinVar aggregate classification (germline): Conflicting classifications of pathogenicity. Review status: criteria provided, conflicting classifications (1 of 4 stars). 2 submissions from 1 submitter: Uncertain significance (1); Benign (1). Last evaluated 2018-01-12.

Conditions:
Sacral defect with anterior meningocele. Identifiers: MedGen C1838568, OMIM 600145.
Neural tube defect (NTD). Also called: Neural tube defects. Identifiers: Orphanet 3388, Orphanet 823, MedGen C0027794, MONDO:0018075, HP:0045005.

Allele frequency attached by ClinVar (database versions not stated): 1000 Genomes Project 30x 0.00094; 1000 Genomes Project 0.00100; TOPMed 0.00279; gnomAD 0.00347 and 0.00360.

Submissions (2):

Illumina Laboratory Services, Illumina
Classification: Uncertain significance for Neural tube defects, susceptibility to. Last evaluated: 2018-01-12. Review status: criteria provided, single submitter. Criteria: ICSL Variant Classification Criteria 13 December 2019. Collection method: clinical testing. Allele origin: germline.

Illumina Laboratory Services, Illumina
Classification: Benign for Sacral defect with anterior meningocele. Last evaluated: 2018-01-12. Review status: criteria provided, single submitter. Criteria: ICSL Variant Classification Criteria 13 December 2019. Collection method: clinical testing. Allele origin: germline.
Comment: This variant was observed in the ICSL laboratory as part of a predisposition screen in an ostensibly healthy population. It had not been previously curated by ICSL or reported in the Human Gene Mutation Database (HGMD: prior to June 1st, 2018), and was therefore a candidate for classification through an automated scoring system. Utilizing variant allele frequency, disease prevalence and penetrance estimates, and inheritance mode, an automated score was calculated to assess if this variant is too frequent to cause the disease. Based on the score and internal cut-off values, a variant classified as benign is not then subjected to further curation. The score for this variant resulted in a classification of benign for this disease.

NM_138959.3(VANGL1):c.*3742A>T

Gene: VANGL1 (VANGL planar cell polarity protein 1; plus strand). Cytogenetic location: 1p13.1.
Variant type: single nucleotide variant.
Coding change: c.*3742A>T on transcript NM_138959.3 (MANE Select); 3742 bases downstream of the stop codon, A replaced by T.
Molecular consequence: 3 prime UTR variant.
Genome position (GRCh38, 1-based): chr1:115,695,121, A>T. VCF-style: chr1-115695121-A-T. GRCh37 (hg19) VCF-style: chr1-116237742-A-T.
Other names: c.*3742A>T (NM_001172411.2, NM_001172412.2).
Identifiers: ClinVar variation 873966 (VCV000873966.4), dbSNP rs115376031, ClinGen allele CA29600141.